The following is an entry in ClinVar:

ClinVar aggregate classification (germline): Benign. Review status: criteria provided, multiple submitters, no conflicts (2 of 4 stars). 2 submissions from 2 submitters: Benign (2). Last evaluated 2021-05-25.

Conditions:
Atypical hemolytic-uremic syndrome with thrombomodulin anomaly. Also called: HEMOLYTIC UREMIC SYNDROME, ATYPICAL, SUSCEPTIBILITY TO, 6; AHUS, SUSCEPTIBILITY TO, 6. Identifiers: MedGen C2752036, MONDO:0013044, OMIM 612926. Disease mechanism: gain of function.

Allele frequency attached by ClinVar (database versions not stated): TOPMed 0.03049; gnomAD 0.02724 and 0.02931; 1000 Genomes Project 0.02875; 1000 Genomes Project 30x 0.03061; gnomAD exomes 0.00264.

Submissions (2):

GeneDx
Classification: Benign. Last evaluated: 2021-05-25. Review status: criteria provided, single submitter. Criteria: GeneDx Variant Classification Process June 2021. Collection method: clinical testing. Allele origin: germline. Affected: yes.

Illumina Laboratory Services, Illumina
Classification: Benign for Atypical hemolytic-uremic syndrome with thrombomodulin anomaly. Last evaluated: 2018-01-13. Review status: criteria provided, single submitter. Criteria: ICSL Variant Classification Criteria 13 December 2019. Collection method: clinical testing. Allele origin: germline.
Comment: This variant was observed in the ICSL laboratory as part of a predisposition screen in an ostensibly healthy population. It had not been previously curated by ICSL or reported in the Human Gene Mutation Database (HGMD: prior to June 1st, 2018), and was therefore a candidate for classification through an automated scoring system. Utilizing variant allele frequency, disease prevalence and penetrance estimates, and inheritance mode, an automated score was calculated to assess if this variant is too frequent to cause the disease. Based on the score and internal cut-off values, a variant classified as benign is not then subjected to further curation. The score for this variant resulted in a classification of benign for this disease.

NM_000361.3(THBD):c.*87T>G

Gene: THBD (thrombomodulin; minus strand). Cytogenetic location: 20p11.21.
Variant type: single nucleotide variant.
Coding change: c.*87T>G on transcript NM_000361.3 (MANE Select); 87 bases downstream of the stop codon, T replaced by G.
Molecular consequence: 3 prime UTR variant.
Genome position (GRCh38, 1-based): chr20:23,047,690, A>C on the plus strand (T>G on the coding strand, the complement: THBD is on the minus strand). VCF-style: chr20-23047690-A-C. GRCh37 (hg19) VCF-style: chr20-23028327-A-C.
Identifiers: ClinVar variation 337877 (VCV000337877.6), dbSNP rs3176133, ClinGen allele CA10652405.
Genomic context (GRCh38, chr20:23,047,690, plus strand): 5'-GTTAGCCATGGAATAGAAGAAAACAGCTTGGGGGGTGCGGGGAGGGTCTTCTCCAGCTGT[A>C]ATGCCAGCTAAGGTGCTTTGGTAGCAAAGCTGGGGGTGAGGAGGCACAGGCTCCTGGACG-3'